The following is an entry in ClinVar:

ClinVar aggregate classification (germline): Uncertain significance (1 of 4 stars; one submission).

Allele frequency attached by ClinVar (database versions not stated): TOPMed 0.00008; gnomAD exomes 0.00001 and 0.00002; ExAC 0.00002; gnomAD 0.00003 and 0.00004; ESP Exome Variant Server 0.00008.
gnomAD v4.1: 12 of 1,604,140 alleles (0.00075%); highest among the groups gnomAD compares: Admixed American, 0.0084%; no homozygotes.

Submission:

Labcorp Genetics (formerly Invitae), Labcorp
Classification: Uncertain significance. Last evaluated: 2025-08-04. Review status: criteria provided, single submitter. Criteria: Invitae Variant Classification Sherloc (09022015). Collection method: clinical testing. Allele origin: germline.
Comment: This sequence change replaces valine, which is neutral and non-polar, with methionine, which is neutral and non-polar, at codon 66 of the POLE2 protein (p.Val66Met). This variant is present in population databases (rs368181624, gnomAD 0.01%). This variant has not been reported in the literature in individuals affected with POLE2-related conditions. ClinVar contains an entry for this variant (Variation ID: 1498717). An algorithm developed to predict the effect of missense changes on protein structure and function (PolyPhen-2) suggests that this variant is likely to be tolerated. In summary, the available evidence is currently insufficient to determine the role of this variant in disease. Therefore, it has been classified as a Variant of Uncertain Significance.

NM_002692.4(POLE2):c.196G>A (p.Val66Met)

Gene: POLE2 (DNA polymerase epsilon 2, accessory subunit; minus strand). Cytogenetic location: 14q21.3.
Variant type: single nucleotide variant.
Coding change: c.196G>A on transcript NM_002692.4 (MANE Select); coding-DNA position 196, G replaced by A.
Protein change: p.Val66Met; replaces valine 66 with methionine.
Molecular consequence: missense variant. On other transcripts: 5 prime UTR variant (1).
Genome position (GRCh38, 1-based): chr14:49,679,774, C>T on the plus strand (G>A on the coding strand, the complement: POLE2 is on the minus strand). VCF-style: chr14-49679774-C-T. GRCh37 (hg19) VCF-style: chr14-50146492-C-T.
Other names: c.196G>A, p.Val66Met (NM_001197330.2, NM_001197331.3, NM_001348384.2); c.-40G>A (NM_001348385.2); short protein forms V66M.
Identifiers: ClinVar variation 1498717 (VCV001498717.6), dbSNP rs368181624, ClinGen allele CA7173711.